The following is an entry in ClinVar:

ClinVar aggregate classification (germline): Uncertain significance (1 of 4 stars; one submission).

Submission:

Labcorp Genetics (formerly Invitae), Labcorp
Classification: Uncertain significance. Last evaluated: 2022-03-05. Review status: criteria provided, single submitter. Criteria: Invitae Variant Classification Sherloc (09022015). Collection method: clinical testing. Allele origin: germline.
Comment: This sequence change replaces aspartic acid, which is acidic and polar, with tyrosine, which is neutral and polar, at codon 845 of the MSH3 protein (p.Asp845Tyr). This variant is not present in population databases (gnomAD no frequency). This variant has not been reported in the literature in individuals affected with MSH3-related conditions. Algorithms developed to predict the effect of missense changes on protein structure and function are either unavailable or do not agree on the potential impact of this missense change (SIFT: "Deleterious"; PolyPhen-2: "Benign"; Align-GVGD: "Class C0"). In summary, the available evidence is currently insufficient to determine the role of this variant in disease. Therefore, it has been classified as a Variant of Uncertain Significance.

NM_002439.5(MSH3):c.2533G>T (p.Asp845Tyr)

Gene: MSH3 (mutS homolog 3; plus strand). Cytogenetic location: 5q14.1.
Variant type: single nucleotide variant.
Coding change: c.2533G>T on transcript NM_002439.5 (MANE Select); coding-DNA position 2533, G replaced by T.
Protein change: p.Asp845Tyr; replaces aspartic acid 845 with tyrosine.
Molecular consequence: missense variant.
Genome position (GRCh38, 1-based): chr5:80,787,662, G>T. VCF-style: chr5-80787662-G-T. GRCh37 (hg19) VCF-style: chr5-80083481-G-T.
Other names: short protein forms D845Y.
Identifiers: ClinVar variation 2107014 (VCV002107014.4), dbSNP rs1335381574, ClinGen allele CA360283425.